The following is an entry in ClinVar:

NM_015047.3(EMC1):c.2516T>G (p.Ile839Ser)

Genes: EMC1 (ER membrane protein complex subunit 1; minus strand), EMC1-AS1 (EMC1 antisense RNA 1; plus strand). Cytogenetic location: 1p36.13.
Variant type: single nucleotide variant.
Coding change: c.2516T>G on transcript NM_015047.3 (MANE Select); coding-DNA position 2516, T replaced by G.
Protein change: p.Ile839Ser; replaces isoleucine 839 with serine.
Molecular consequence: missense variant.
Genome position (GRCh38, 1-based): chr1:19,222,695, A>C on the plus strand (T>G on the coding strand, the complement: EMC1 is on the minus strand). VCF-style: chr1-19222695-A-C. GRCh37 (hg19) VCF-style: chr1-19549189-A-C.
Other names: c.2513T>G, p.Ile838Ser (NM_001271427.2, NM_001271428.2); c.2450T>G, p.Ile817Ser (NM_001271429.2); c.2525T>G, p.Ile842Ser (NM_001375820.1); c.2522T>G, p.Ile841Ser (NM_001375821.1); short protein forms I817S, I838S, I842S, I841S, I839S.
Identifiers: ClinVar variation 2810137 (VCV002810137.3), dbSNP rs2536665476, ClinGen allele CA338754031.

ClinVar aggregate classification (germline): Uncertain significance (1 of 4 stars; one submission).

Submission:

Labcorp Genetics (formerly Invitae), Labcorp
Classification: Uncertain significance. Last evaluated: 2022-10-27. Review status: criteria provided, single submitter. Criteria: Invitae Variant Classification Sherloc (09022015). Collection method: clinical testing. Allele origin: germline.
Comment: This sequence change replaces isoleucine, which is neutral and non-polar, with serine, which is neutral and polar, at codon 839 of the EMC1 protein (p.Ile839Ser). This variant is not present in population databases (gnomAD no frequency). This variant has not been reported in the literature in individuals affected with EMC1-related conditions. Advanced modeling of protein sequence and biophysical properties (such as structural, functional, and spatial information, amino acid conservation, physicochemical variation, residue mobility, and thermodynamic stability) performed at Invitae indicates that this missense variant is expected to disrupt EMC1 protein function. In summary, the available evidence is currently insufficient to determine the role of this variant in disease. Therefore, it has been classified as a Variant of Uncertain Significance.